The following is an entry in ClinVar:

NM_006361.6(HOXB13):c.72dup (p.Arg25fs)

Gene: HOXB13 (homeobox B13; minus strand). Cytogenetic location: 17q21.32.
Variant type: Duplication.
Coding change: c.72dup on transcript NM_006361.6 (MANE Select); coding-DNA position 72, one base duplicated (G; older notation c.72dupG).
Protein change: p.Arg25fs; shifts the reading frame from arginine 25.
Molecular consequence: frameshift variant.
Genome position (GRCh38, 1-based): chr17:48,728,522, C duplicated on the plus strand (G on the coding strand, the reverse complement: HOXB13 is on the minus strand); the first of 6 consecutive C bases (chr17:48,728,522-48,728,527); duplicating any one gives the same sequence. VCF-style (leftmost placement, unchanged base first): chr17-48728521-G-GC. GRCh37 (hg19) VCF-style: chr17-46805883-G-GC.
Other names: c.72dupG (NM_006361.5); short protein forms R25fs.
Identifiers: ClinVar variation 826953 (VCV000826953.11), dbSNP rs1214089646, ClinGen allele CA626687135.

ClinVar aggregate classification (germline): Uncertain significance. Review status: criteria provided, multiple submitters, no conflicts (2 of 4 stars). 3 submissions from 3 submitters: Uncertain significance (3). Last evaluated 2025-06-11.

Conditions:
Hereditary cancer-predisposing syndrome. Also called: Neoplastic Syndromes, Hereditary; Tumor predisposition; Hereditary neoplastic syndrome; Hereditary Cancer Syndrome. Identifiers: Orphanet 140162, MedGen C0027672, MeSH D009386, MONDO:0015356.

Submissions (3):

Ambry Genetics
Classification: Uncertain significance for Hereditary cancer-predisposing syndrome. Last evaluated: 2025-06-11. Review status: criteria provided, single submitter. Criteria: Ambry Variant Classification Scheme 2023. Collection method: clinical testing. Allele origin: germline.
Comment: The c.72dupG variant, located in coding exon 1 of the HOXB13 gene, results from a duplication of G at nucleotide position 72, causing a translational frameshift with a predicted alternate stop codon (p.R25Afs*102). This alteration is expected to result in protein truncation or nonsense-mediated mRNA decay. However, loss of function of HOXB13 has not been established as a mechanism of disease. Based on the available evidence, the clinical significance of this alteration remains unclear.

Labcorp Genetics (formerly Invitae), Labcorp
Classification: Uncertain significance. Last evaluated: 2025-02-17. Review status: criteria provided, single submitter. Criteria: Invitae Variant Classification Sherloc (09022015). Collection method: clinical testing. Allele origin: germline.
Comment: This sequence change creates a premature translational stop signal (p.Arg25Alafs*102) in the HOXB13 gene. It is expected to result in an absent or disrupted protein product. However, the current clinical and genetic evidence is not sufficient to establish whether loss-of-function variants in HOXB13 cause disease. This variant is not present in population databases (gnomAD no frequency). This variant has not been reported in the literature in individuals affected with HOXB13-related conditions. ClinVar contains an entry for this variant (Variation ID: 826953). In summary, the available evidence is currently insufficient to determine the role of this variant in disease. Therefore, it has been classified as a Variant of Uncertain Significance.

GeneDx
Classification: Uncertain significance. Last evaluated: 2021-05-03. Review status: criteria provided, single submitter. Criteria: GeneDx Variant Classification Process June 2021. Collection method: clinical testing. Allele origin: germline. Affected: yes.
Comment: Not observed at a significant frequency in large population cohorts (Lek 2016); Has not been previously published as pathogenic or benign to our knowledge